The following is an entry in ClinVar:

ClinVar aggregate classification (germline): Pathogenic. Review status: criteria provided, multiple submitters, no conflicts (2 of 4 stars). 2 submissions from 2 submitters: Pathogenic (2). Last evaluated 2024-07-05.

Conditions:
Congenital diarrhea 5 with tufting enteropathy. Also called: INTESTINAL EPITHELIAL CELL DYSPLASIA; Congenital tufting enteropathy. Identifiers: Orphanet 92050, MedGen C2750737, MONDO:0013184, OMIM 613217.

gnomAD v4.1: 1 of 1,613,926 alleles (0.000062%); highest among the groups gnomAD compares: Middle Eastern, 0.016%; no homozygotes.

Submissions (2):

Aleixo Muise Laboratory, Hospital For Sick Children
Classification: Pathogenic for Congenital diarrhea 5 with tufting enteropathy. Last evaluated: 2024-07-05. Review status: criteria provided, single submitter. Criteria: ACMG Guidelines, 2015. Collection method: research. Allele origin: germline. Affected: yes. Observed: 2 variant alleles.
Comment: PVS1;PM2;PM5;PP3;PP4

Department of Pathology and Laboratory Medicine, Sinai Health System
Classification: Pathogenic for Congenital diarrhea 5 with tufting enteropathy. Last evaluated: 2022-11-23. Review status: criteria provided, single submitter. Criteria: ACMG Guidelines, 2015. Collection method: research. Allele origin: germline.

NM_002354.3(EPCAM):c.227C>G (p.Ser76Ter)

Gene: EPCAM (epithelial cell adhesion molecule; plus strand). Cytogenetic location: 2p21.
Variant type: single nucleotide variant.
Coding change: c.227C>G on transcript NM_002354.3 (MANE Select); coding-DNA position 227, C replaced by G.
Protein change: p.Ser76Ter; replaces serine 76 with a stop codon.
Molecular consequence: nonsense.
Genome position (GRCh38, 1-based): chr2:47,373,850, C>G. VCF-style: chr2-47373850-C-G. GRCh37 (hg19) VCF-style: chr2-47600989-C-G.
Other names: short protein forms S76*.
Identifiers: ClinVar variation 3255333 (VCV003255333.2).